The following is an entry in ClinVar:

NM_006623.4(PHGDH):c.348C>A (p.Cys116Ter)

Gene: PHGDH (phosphoglycerate dehydrogenase; plus strand). Cytogenetic location: 1p12.
Variant type: single nucleotide variant.
Coding change: c.348C>A on transcript NM_006623.4 (MANE Select); coding-DNA position 348, C replaced by A.
Protein change: p.Cys116Ter; replaces cysteine 116 with a stop codon.
Molecular consequence: nonsense.
Genome position (GRCh38, 1-based): chr1:119,723,433, C>A. VCF-style: chr1-119723433-C-A. GRCh37 (hg19) VCF-style: chr1-120266056-C-A.
Other names: c.348C>A (NM_006623.3); short protein forms C116*.
Identifiers: ClinVar variation 1453325 (VCV001453325.8), dbSNP rs2101160478, ClinGen allele CA341847501.

ClinVar aggregate classification (germline): Pathogenic/Likely pathogenic. Review status: criteria provided, multiple submitters, no conflicts (2 of 4 stars). 3 submissions from 3 submitters: Pathogenic (1); Likely pathogenic (2). Last evaluated 2025-09-03.

Conditions:
PHGDH deficiency. Identifiers: Orphanet 79351, MedGen C1866174, MONDO:0011152, OMIM 601815.

Allele frequency attached by ClinVar (database versions not stated): gnomAD exomes below 0.00001.
gnomAD v4.1: 6 of 1,612,794 alleles (0.00037%); highest among the groups gnomAD compares: Non-Finnish European, 0.00034%; no homozygotes.

Submissions (3):

Natera, Inc.
Classification: Likely pathogenic for Phosphoglycerate dehydrogenase deficiency. Last evaluated: 2025-09-03. Review status: criteria provided, single submitter. Criteria: Natera Variant Classification Schema (03/2026). Collection method: clinical testing. Allele origin: germline.
Comment: The c.348C>A variant in PHGDH is a nonsense variant predicted to introduce a stop codon at amino acid 116. This variant is expected to result in nonsense mediated decay, truncation, or a dysfunctional protein product. This variant is rare in the general population with a frequency below the threshold expected for the associated phenotype(s). Given the available evidence, this variant is classified as Likely Pathogenic.

Laboratory of Genetics, Children's Clinical University Hospital Latvia
Classification: Likely pathogenic. Last evaluated: 2025-02-16. Review status: criteria provided, single submitter. Criteria: ACMG Guidelines, 2015. Collection method: clinical testing. Allele origin: germline. Affected: yes.

Labcorp Genetics (formerly Invitae), Labcorp
Classification: Pathogenic for PHGDH deficiency. Last evaluated: 2024-04-27. Review status: criteria provided, single submitter. Criteria: Invitae Variant Classification Sherloc (09022015). Collection method: clinical testing. Allele origin: germline.
Comment: This sequence change creates a premature translational stop signal (p.Cys116*) in the PHGDH gene. It is expected to result in an absent or disrupted protein product. Loss-of-function variants in PHGDH are known to be pathogenic (PMID: 14645240, 24836451). This variant is not present in population databases (gnomAD no frequency). This variant has not been reported in the literature in individuals affected with PHGDH-related conditions. ClinVar contains an entry for this variant (Variation ID: 1453325). For these reasons, this variant has been classified as Pathogenic.

Literature cited by the submitters: PubMed 14645240 (cited by Labcorp Genetics (formerly Invitae), Labcorp); PubMed 24836451 (cited by Labcorp Genetics (formerly Invitae), Labcorp).